The following is an entry in ClinVar:

NM_005430.4(WNT1):c.104+4_104+44del

Gene: WNT1 (Wnt family member 1; plus strand). Cytogenetic location: 12q13.12.
Variant type: Deletion.
Coding change: c.104+4_104+44del on transcript NM_005430.4 (MANE Select); bases 4 to 44 of the intron after coding-DNA position 104, 41 bases deleted.
Molecular consequence: intron variant.
Genome position (GRCh38, 1-based): chr12:48,978,758-48,978,798, 41 bases deleted; deleting any 41 consecutive bases within chr12:48,978,757-48,978,798 gives the same sequence; the c. name uses the placement nearest the transcript's 3' end. GRCh37 (hg19): chr12:49,372,541-49,372,581.
Identifiers: ClinVar variation 488347 (VCV000488347.3), dbSNP rs1555178899, ClinGen allele CA658823368.
Genomic context (GRCh38, chr12:48,978,756, plus strand): 5'-CTGCTGGCGCTGGCCGCTCTGCCCGCAGCCCTGGCTGCCAACAGCAGTGGCCGATGGTGG[TAAGTGAGCTGGTGCGGGGTCGCCACTTGTCCCGCGGCACAG>T]AGCCAGGGGCCAACCCTACCCAGCTCCCACGCTCTGGGATCCGTCTGCCGACAGGCTCCC-3'

ClinVar aggregate classification (germline): Likely pathogenic (1 of 4 stars; one submission).

Conditions:
Osteogenesis imperfecta type 15. Also called: OI, TYPE XV; WNT1-related osteogenesis imperfecta; Osteogenesis imperfecta, type xv. Identifiers: Orphanet 666, MedGen C3808844, MONDO:0014086, OMIM 615220.

Submission:

Department of Paediatric Medicine, Post Graduation Institute of Medical Education and Research
Classification: Likely pathogenic for Osteogenesis imperfecta type 15. Last evaluated: 2017-11-29. Review status: criteria provided, single submitter. Criteria: ACMG Guidelines, 2015. Collection method: clinical testing. Allele origin: inherited. Inheritance: Autosomal recessive inheritance. Affected: yes. Observed: 1 homozygote.
Comment: The clinical significance was assigned and evaluated based on the ACMG guidelines for Variant Classification (Richards et al, 2015). This variant is absent in population databases (PM2); is a protein length changing variant (PM4); the patient's phenotype was highly specific for this gene (PP4) and multiple lines of computational evidence support a deleterious effect on the gene or gene product (PP3).

Literature cited by the submitters: PubMed 29481978.